The following is an entry in ClinVar:

ClinVar aggregate classification (germline): Uncertain significance (1 of 4 stars; one submission).

Conditions:
Cystic fibrosis (CF). Also called: MUCOVISCIDOSIS. Identifiers: Orphanet 586, MedGen C0010674, MONDO:0009061, OMIM 219700. Disease mechanism: loss of function.

Submission:

Labcorp Genetics (formerly Invitae), Labcorp
Classification: Uncertain significance for Cystic fibrosis. Last evaluated: 2024-01-02. Review status: criteria provided, single submitter. Criteria: Invitae Variant Classification Sherloc (09022015). Collection method: clinical testing. Allele origin: germline.
Comment: This sequence change replaces serine, which is neutral and polar, with glycine, which is neutral and non-polar, at codon 898 of the CFTR protein (p.Ser898Gly). This variant is not present in population databases (gnomAD no frequency). This variant has not been reported in the literature in individuals affected with CFTR-related conditions. Advanced modeling of protein sequence and biophysical properties (such as structural, functional, and spatial information, amino acid conservation, physicochemical variation, residue mobility, and thermodynamic stability) performed at Invitae indicates that this missense variant is not expected to disrupt CFTR protein function with a negative predictive value of 80%. In summary, the available evidence is currently insufficient to determine the role of this variant in disease. Therefore, it has been classified as a Variant of Uncertain Significance.

NM_000492.4(CFTR):c.2692A>G (p.Ser898Gly)

Gene: CFTR (CF transmembrane conductance regulator; plus strand). Cytogenetic location: 7q31.2.
Variant type: single nucleotide variant.
Coding change: c.2692A>G on transcript NM_000492.4 (MANE Select); coding-DNA position 2692, A replaced by G.
Protein change: p.Ser898Gly; replaces serine 898 with glycine.
Molecular consequence: missense variant.
Genome position (GRCh38, 1-based): chr7:117,603,566, A>G. VCF-style: chr7-117603566-A-G. GRCh37 (hg19) VCF-style: chr7-117243620-A-G.
Other names: short protein forms S898G.
Identifiers: ClinVar variation 2852652 (VCV002852652.3), dbSNP rs1200550913, ClinGen allele CA368986441.
Genomic context (GRCh38, chr7:117,603,566, plus strand): 5'-ATAACGATTTCCTATTTGCTTTACAGCACTCCTCTTCAAGACAAAGGGAATAGTACTCAT[A>G]GTAGAAATAACAGCTATGCAGTGATTATCACCAGCACCAGTTCGTATTATGTGTTTTACA-3'
Protein context (NP_000483.3, residues 888-908): PLQDKGNSTH[Ser898Gly]RNNSYAVIIT